The following is an entry in ClinVar:

NM_003242.6(TGFBR2):c.412T>G (p.Cys138Gly)

Gene: TGFBR2 (transforming growth factor beta receptor 2; plus strand). Cytogenetic location: 3p24.1.
Variant type: single nucleotide variant.
Coding change: c.412T>G on transcript NM_003242.6 (MANE Select); coding-DNA position 412, T replaced by G.
Protein change: p.Cys138Gly; replaces cysteine 138 with glycine.
Molecular consequence: missense variant.
Genome position (GRCh38, 1-based): chr3:30,650,418, T>G. VCF-style: chr3-30650418-T-G. GRCh37 (hg19) VCF-style: chr3-30691910-T-G.
Other names: p.C138G:TGT>GGT; c.487T>G, p.Cys163Gly (NM_001024847.3, NM_001407126.1, NM_001407139.1); c.412T>G, p.Cys138Gly (NM_001407127.1, NM_001407130.1); c.439T>G, p.Cys147Gly (NM_001407128.1); c.307T>G, p.Cys103Gly (NM_001407129.1, NM_001407132.1, NM_001407133.1 and 3 more transcripts); short protein forms C138G, C163G, C103G, C147G.
Identifiers: ClinVar variation 213915 (VCV000213915.18), dbSNP rs863223838, ClinGen allele CA320296.

ClinVar aggregate classification (germline): Conflicting classifications of pathogenicity. Review status: criteria provided, conflicting classifications (1 of 4 stars). 7 submissions from 7 submitters: Likely pathogenic (1); Uncertain significance (5); Uncertain risk allele (1). Last evaluated 2025-02-13.

Conditions:
Congenital aneurysm of ascending aorta (AAT1). Also called: AORTIC ANEURYSM, FAMILIAL THORACIC 1; ANNULOAORTIC ECTASIA; Familial thoracic aortic aneurysm; Aortic aneurysm, thoracic. Identifiers: Orphanet 229, MedGen C0345050, MONDO:0024559, OMIM 607086.
Loeys-Dietz syndrome (LDS). Identifiers: Orphanet 60030, MedGen C2697932, MONDO:0018954.
Diabetic retinopathy. Identifiers: MedGen C0011884, MONDO:0005266.
Loeys-Dietz syndrome 2 (LDS2). Also called: TGFBR2-Related Loeys-Dietz Syndrome; Marfan Syndrome type 2; Marfan like connective tissue disorder; MFS 2; Marfan syndrome, type 2 (formerly); AORTIC ANEURYSM, FAMILIAL THORACIC 3. Identifiers: Orphanet 284973, Orphanet 558, MedGen C2674574, MONDO:0012427, OMIM 610168.
Malignant tumor of esophagus. Also called: Esophageal cancer; Esophageal cancer, somatic. Identifiers: Orphanet 99977, MedGen C0546837, MONDO:0007576, OMIM 133239.
Colorectal cancer, hereditary nonpolyposis, type 6. Also called: Colon cancer, hereditary nonpolyposis, type 6; Colon cancer, hereditary nonpolyposis, type 6, somatic. Identifiers: Orphanet 144, MedGen C1860896, MONDO:0013695, OMIM 614331.
Familial thoracic aortic aneurysm and aortic dissection (TAAD). Also called: Thoracic aortic aneurysms and dissections. Identifiers: Orphanet 91387, MedGen C4707243, MONDO:0019625.

Allele frequency attached by ClinVar (database versions not stated): gnomAD exomes below 0.00001 and 0.00001; gnomAD 0.00001; TOPMed 0.00002.

Submissions (7):

GeneDx
Classification: Uncertain significance. Last evaluated: 2025-02-13. Review status: criteria provided, single submitter. Criteria: GeneDx Variant Classification Process June 2021. Collection method: clinical testing. Allele origin: germline. Affected: yes.
Comment: Has not been previously published as pathogenic or benign to our knowledge; Not observed at significant frequency in large population cohorts (gnomAD); In silico analysis supports that this missense variant has a deleterious effect on protein structure/function

Labcorp Genetics (formerly Invitae), Labcorp
Classification: Likely pathogenic for Familial thoracic aortic aneurysm and aortic dissection. Last evaluated: 2025-01-22. Review status: criteria provided, single submitter. Criteria: Invitae Variant Classification Sherloc (09022015). Collection method: clinical testing. Allele origin: germline.
Comment: This sequence change replaces cysteine, which is neutral and slightly polar, with glycine, which is neutral and non-polar, at codon 138 of the TGFBR2 protein (p.Cys138Gly). This variant is present in population databases (no rsID available, gnomAD 0.002%). This missense change has been observed in individuals with clinical features of TGFBR2-related conditions (internal data). ClinVar contains an entry for this variant (Variation ID: 213915). Invitae Evidence Modeling of protein sequence and biophysical properties (such as structural, functional, and spatial information, amino acid conservation, physicochemical variation, residue mobility, and thermodynamic stability) indicates that this missense variant is expected to disrupt TGFBR2 protein function with a positive predictive value of 95%. This variant disrupts the p.Cys138 amino acid residue in TGFBR2. Other variant(s) that disrupt this residue have been observed in individuals with TGFBR2-related conditions (PMID: 21270064), which suggests that this may be a clinically significant amino acid residue. In summary, the currently available evidence indicates that the variant is pathogenic, but additional data are needed to prove that conclusively. Therefore, this variant has been classified as Likely Pathogenic.

Women's Health and Genetics/Laboratory Corporation of America, LabCorp
Classification: Uncertain significance. Last evaluated: 2024-09-23. Review status: criteria provided, single submitter. Criteria: LabCorp Variant Classification Summary - May 2015. Collection method: clinical testing. Allele origin: germline.
Comment: Variant summary: TGFBR2 c.412T>G (p.Cys138Gly) results in a non-conservative amino acid change in the encoded protein sequence. Five of five in-silico tools predict a damaging effect of the variant on protein function. The variant allele was found at a frequency of 8e-06 in 250894 control chromosomes. The available data on variant occurrences in the general population are insufficient to allow any conclusion about variant significance. To our knowledge, no occurrence of c.412T>G in individuals affected with Aortopathy and no experimental evidence demonstrating its impact on protein function have been reported. ClinVar contains an entry for this variant (Variation ID: 213915). Based on the evidence outlined above, the variant was classified as uncertain significance.

All of Us Research Program, National Institutes of Health
Classification: Uncertain significance for Loeys-Dietz syndrome 2. Last evaluated: 2023-09-17. Review status: criteria provided, single submitter. Criteria: ACMG Guidelines, 2015. Collection method: clinical testing. Allele origin: germline. Inheritance: Autosomal dominant inheritance. Observed: 2 variant alleles, 2 heterozygotes.
Comment: This missense variant replaces cysteine with glycine at codon 138 of the TGFBR2 protein. Computational prediction suggests that this variant may have deleterious impact on protein structure and function (internally defined REVEL score threshold >= 0.7, PMID: 27666373). To our knowledge, functional studies have not been reported for this variant. This variant has been reported in two individuals affected with thoracic aortic aneurysm and dissection, one individual affected with hypermobile Ehlers-Danlos syndrome, and a few with other features related to connective tissue disorders (ClinVar SCV000548112.3, SCV000250924.14, SCV000607137.1). This variant has been identified in 2/250894 chromosomes in the general population by the Genome Aggregation Database (gnomAD). Although there is a suspicion for a pathogenic role, the available evidence is insufficient to determine the role of this variant in disease conclusively. Therefore, this variant is classified as a Variant of Uncertain Significance.

This study involves interpretation of variants in research participants for the purpose of population health screening. Participant phenotype was not available at the time of variant classification. Additional details can be found in publication PMID: 35346344, PMCID: PMC8962531

AiLife Diagnostics
Classification: Uncertain significance. Last evaluated: 2022-01-28. Review status: criteria provided, single submitter. Criteria: ACMG Guidelines, 2015. Collection method: clinical testing. Allele origin: germline. Affected: yes. Observed: 3 variant alleles.

Fulgent Genetics
Classification: Uncertain significance for Malignant tumor of esophagus; Loeys-Dietz syndrome 2; Colorectal cancer, hereditary nonpolyposis, type 6. Last evaluated: 2021-09-08. Review status: criteria provided, single submitter. Criteria: ACMG Guidelines, 2015. Collection method: clinical testing. Allele origin: unknown.

Clinical Genomics, Uppaluri K&H Personalized Medicine Clinic
Classification: Uncertain risk allele for Diabetic retinopathy. Review status: criteria provided, single submitter. Criteria: K And H Uppaluri Personalized Medicine Clinic Variant Classification And Assertion Criteria Updated V 2. Collection method: research. Allele origin: unknown.
Comment: Potent mutations in TGFBR2 gene encodes the transforming growth factor that have been associated with angiogenesis and diabetic retinopathy. More clinical studies are needed for stronger association. However, more evidence is required to confer the association of this particular variant rs863223838 with diabetic retinopathy.

Literature cited by the submitters: PubMed 21270064 (cited by Labcorp Genetics (formerly Invitae), Labcorp); PubMed 30222965 (cited by Clinical Genomics, Uppaluri K&H Personalized Medicine Clinic); PubMed 28162229 (cited by Clinical Genomics, Uppaluri K&H Personalized Medicine Clinic); PubMed 34572573 (cited by Clinical Genomics, Uppaluri K&H Personalized Medicine Clinic).